The following is an entry in ClinVar:

ClinVar aggregate classification (germline): Likely pathogenic. Review status: criteria provided, multiple submitters, no conflicts (2 of 4 stars). 2 submissions from 2 submitters: Likely pathogenic (2). Last evaluated 2025-11-13.

Conditions:
Ellis-van Creveld syndrome (EVC). Also called: MESOECTODERMAL DYSPLASIA; EVC-Related Ellis-van Creveld Syndrome; EVC2-Related Ellis-van Creveld Syndrome; Chondroectodermal dysplasia. Identifiers: Orphanet 289, MedGen C0013903, MONDO:0009162, OMIM 225500.
Curry-Hall syndrome (WAD). Also called: WEYERS ACRODENTAL DYSOSTOSIS. Identifiers: Orphanet 952, MedGen C0457013, MONDO:0008673, OMIM 193530.

Submissions (2):

Natera, Inc.
Classification: Likely pathogenic for Ellis-van Creveld syndrome. Last evaluated: 2025-11-13. Review status: criteria provided, single submitter. Criteria: Natera Variant Classification Schema (03/2026). Collection method: clinical testing. Allele origin: germline.
Comment: The c.939+1G>A variant in EVC is a canonical splice donor site variant predicted to affect pre-mRNA splicing, which may result in an abnormal transcript and altered protein product. This variant is expected to result in nonsense mediated decay, truncation, or a dysfunctional protein product. This variant is rare in the general population with a frequency below the threshold expected for the associated phenotype(s). This variant has been observed in one or more individuals affected with the associated recessive disease, as either homozygous or compound heterozygous with a second variant (PMID: 39490293). Given the available evidence, this variant is classified as Likely Pathogenic.

Labcorp Genetics (formerly Invitae), Labcorp
Classification: Likely pathogenic for Curry-Hall syndrome; Ellis-van Creveld syndrome. Last evaluated: 2024-01-21. Review status: criteria provided, single submitter. Criteria: Invitae Variant Classification Sherloc (09022015). Collection method: clinical testing. Allele origin: germline.
Comment: This sequence change affects a donor splice site in intron 7 of the EVC gene. It is expected to disrupt RNA splicing. Variants that disrupt the donor or acceptor splice site typically lead to a loss of protein function (PMID: 16199547), and loss-of-function variants in EVC are known to be pathogenic (PMID: 23220543). This variant is not present in population databases (gnomAD no frequency). This variant has not been reported in the literature in individuals affected with EVC-related conditions. ClinVar contains an entry for this variant (Variation ID: 951386). Algorithms developed to predict the effect of sequence changes on RNA splicing suggest that this variant may disrupt the consensus splice site. In summary, the currently available evidence indicates that the variant is pathogenic, but additional data are needed to prove that conclusively. Therefore, this variant has been classified as Likely Pathogenic.

Literature cited by the submitters: PubMed 39490293 (cited by Natera, Inc.); PubMed 16199547 (cited by Labcorp Genetics (formerly Invitae), Labcorp); PubMed 23220543 (cited by Labcorp Genetics (formerly Invitae), Labcorp).

NM_153717.3(EVC):c.939+1G>A

Gene: EVC (EvC ciliary complex subunit 1; plus strand). Cytogenetic location: 4p16.2.
Variant type: single nucleotide variant.
Coding change: c.939+1G>A on transcript NM_153717.3 (MANE Select); the canonical splice donor site of the intron after coding-DNA position 939, G replaced by A.
Molecular consequence: splice donor variant.
Genome position (GRCh38, 1-based): chr4:5,745,342, G>A. VCF-style: chr4-5745342-G-A. GRCh37 (hg19) VCF-style: chr4-5747069-G-A.
Other names: c.939+1G>A (NM_001306090.2, NM_001306092.2).
Identifiers: ClinVar variation 951386 (VCV000951386.11), dbSNP rs1553873138, ClinGen allele CA356150225.